The following is an entry in ClinVar:

ClinVar aggregate classification (germline): Likely benign (0 of 4 stars; one submission).

Conditions:
AP1B1-related disorder. Also called: AP1B1-related condition.

gnomAD v4.1: 999 of 1,603,022 alleles (0.062%); highest among the groups gnomAD compares: Non-Finnish European, 0.072%; 1 homozygote.

Submission:

PreventionGenetics, part of Exact Sciences
Classification: Likely benign for AP1B1-related condition. Last evaluated: 2024-05-29. Review status: no assertion criteria provided. Collection method: clinical testing. Allele origin: germline.
Comment: This variant is classified as likely benign based on ACMG/AMP sequence variant interpretation guidelines (Richards et al. 2015 PMID: 25741868, with internal and published modifications).

NM_001127.4(AP1B1):c.*7G>A

Gene: AP1B1 (adaptor related protein complex 1 subunit beta 1; minus strand). Cytogenetic location: 22q12.2.
Variant type: single nucleotide variant.
Coding change: c.*7G>A on transcript NM_001127.4 (MANE Select); 7 bases downstream of the stop codon, G replaced by A.
Molecular consequence: 3 prime UTR variant.
Genome position (GRCh38, 1-based): chr22:29,328,814, C>T on the plus strand (G>A on the coding strand, the complement: AP1B1 is on the minus strand). VCF-style: chr22-29328814-C-T. GRCh37 (hg19) VCF-style: chr22-29724803-C-T.
Other names: c.*7G>A (NM_001166019.2, NM_001378562.1, NM_001378563.1 and 4 more transcripts).
Identifiers: ClinVar variation 3353866 (VCV003353866.1).